The following is an entry in ClinVar:

ClinVar aggregate classification (germline): Conflicting classifications of pathogenicity. Review status: criteria provided, conflicting classifications (1 of 4 stars). 2 submissions from 2 submitters: Uncertain significance (1); Likely benign (1). Last evaluated 2024-12-20.

Conditions:
Hereditary nonpolyposis colorectal neoplasms. Identifiers: MedGen C0009405, MeSH D003123.
Lynch syndrome 5 (LYNCH5). Also called: Hereditary non-polyposis colorectal cancer, type 5; Colorectal cancer, hereditary nonpolyposis, type 5. Identifiers: Orphanet 144, MedGen C1833477, MONDO:0013710, OMIM 614350. Disease mechanism: loss of function.

Submissions (2):

Myriad Genetics, Inc.
Classification: Likely benign for Lynch syndrome 5. Last evaluated: 2024-12-20. Review status: criteria provided, single submitter. Criteria: Myriad Autosomal Dominant, Autosomal Recessive and X-Linked Classification Criteria (2023). Collection method: clinical testing. Allele origin: unknown.
Comment: This variant is considered likely benign. This variant is strongly associated with less severe personal and family histories of cancer, typical for individuals without pathogenic variants in this gene [PMID: 27363726].

Labcorp Genetics (formerly Invitae), Labcorp
Classification: Uncertain significance for Hereditary nonpolyposis colorectal neoplasms. Last evaluated: 2018-09-11. Review status: criteria provided, single submitter. Criteria: Invitae Variant Classification Sherloc (09022015). Collection method: clinical testing. Allele origin: germline.
Comment: This variant is not present in population databases (ExAC no frequency). This sequence change replaces serine with arginine at codon 314 of the MSH6 protein (p.Ser314Arg). The serine residue is weakly conserved and there is a moderate physicochemical difference between serine and arginine. This variant has not been reported in the literature in individuals with MSH6-related disease. In summary, the available evidence is currently insufficient to determine the role of this variant in disease. Therefore, it has been classified as a Variant of Uncertain Significance. Algorithms developed to predict the effect of missense changes on protein structure and function (SIFT, PolyPhen-2, Align-GVGD), and an algorithm developed specifically for the MSH6 gene (PMID: 23621914), suggest that this missense change is likely to be tolerated. However, these predictions have not been confirmed by published functional studies and their clinical significance is uncertain.

Literature cited by the submitters: PubMed 27363726 (cited by Myriad Genetics, Inc.); PubMed 23621914 (cited by Labcorp Genetics (formerly Invitae), Labcorp).

NM_000179.3(MSH6):c.942C>A (p.Ser314Arg)

Gene: MSH6 (mutS homolog 6; plus strand). Cytogenetic location: 2p16.3.
Variant type: single nucleotide variant.
Coding change: c.942C>A on transcript NM_000179.3 (MANE Select); coding-DNA position 942, C replaced by A.
Protein change: p.Ser314Arg; replaces serine 314 with arginine.
Molecular consequence: missense variant.
Genome position (GRCh38, 1-based): chr2:47,798,925, C>A. VCF-style: chr2-47798925-C-A. GRCh37 (hg19) VCF-style: chr2-48026064-C-A.
Other names: c.552C>A, p.Ser184Arg (NM_001281492.2); c.36C>A, p.Ser12Arg (NM_001281493.2, NM_001281494.2); short protein forms S314R, S12R, S184R.
Identifiers: ClinVar variation 649649 (VCV000649649.10), dbSNP rs150440246, ClinGen allele CA346740781.